The following is an entry in ClinVar:

NM_000070.3(CAPN3):c.1076C>T (p.Pro359Leu)

Gene: CAPN3 (calpain 3; plus strand). Cytogenetic location: 15q15.1.
Variant type: single nucleotide variant.
Coding change: c.1076C>T on transcript NM_000070.3 (MANE Select); coding-DNA position 1076, C replaced by T.
Protein change: p.Pro359Leu; replaces proline 359 with leucine.
Molecular consequence: missense variant.
Genome position (GRCh38, 1-based): chr15:42,394,302, C>T. VCF-style: chr15-42394302-C-T. GRCh37 (hg19) VCF-style: chr15-42686500-C-T.
Other names: NM_000070.3(CAPN3):c.1076C>T; p.Pro359Leu; c.1076C>T, p.Pro359Leu (NM_024344.2); c.932C>T, p.Pro311Leu (NM_173087.2); short protein forms P359L, P311L.
Identifiers: ClinVar variation 198690 (VCV000198690.18), dbSNP rs794727895, ClinGen allele CA247490.
Genomic context (GRCh38, chr15:42,394,302, plus strand): 5'-TCTGTGTGCTTAAGGTCCCGTTCAAAGGTGAGAAAGTGAAGCTGGTGCGGCTGCGGAATC[C>T]GTGGGGCCAGGTGGAGTGGAACGGTTCTTGGAGTGATAGGTAGGTGAGGGGACCCCACGG-3'
Protein context (NP_000061.1, residues 349-369): EKVKLVRLRN[Pro359Leu]WGQVEWNGSW

ClinVar aggregate classification (germline): Likely pathogenic. Review status: reviewed by expert panel (3 of 4 stars). 8 submissions from 7 submitters: Likely pathogenic (1). 7 of the submissions do not count toward it. Last evaluated 2026-04-28.

Conditions:
Muscular dystrophy, limb-girdle, autosomal dominant 4. Also called: Calpain-3-related limb-girdle muscular dystrophy D4; MUSCULAR DYSTROPHY, LIMB-GIRDLE, TYPE 1I. Identifiers: Orphanet 565909, MedGen C4748295, MONDO:0029133, OMIM 618129.
Autosomal recessive limb-girdle muscular dystrophy. Identifiers: Orphanet 102015, MedGen C2931907, MONDO:0015152.
Autosomal recessive limb-girdle muscular dystrophy type 2A (LGMDR1). Also called: MUSCULAR DYSTROPHY, PELVOFEMORAL; Muscular dystrophy, limb-girdle, type 2A, Amish; LEYDEN-MOEBIUS MUSCULAR DYSTROPHY; Limb-girdle muscular dystrophy, type 2A; Calpainopathy. Identifiers: Orphanet 267, MedGen C1869123, MONDO:0009675, OMIM 253600. Disease mechanism: loss of function.

Allele frequency attached by ClinVar (database versions not stated): gnomAD exomes below 0.00001.

Submissions (8):

ClinGen Limb Girdle Muscular Dystrophy Variant Curation Expert Panel, ClinGen
Classification: Likely pathogenic for Autosomal recessive limb-girdle muscular dystrophy. Last evaluated: 2026-04-28. Review status: reviewed by expert panel. Criteria: ClinGen LGMD VCEP ACMG Specifications CAPN3 V2.0.0. Collection method: curation. Allele origin: germline. Inheritance: Autosomal recessive inheritance.
Comment: The NM_000070.3: c.1076C>T variant in CAPN3 is a missense variant predicted to cause substitution of proline by leucine at amino acid 359 (p.Pro359Leu). This variant has been reported in at least 8 patients with clinical signs of LGMD, including in a homozygous state in at least 6 individuals (1.0 pt; PMID: 22926650, 17596655, 30564623; ClinVar SCV001524377.1, SCV001544778.3 internal data communication; LOVD CAPN3_000128) and in unconfirmed phase with a likely pathogenic variant in at least one individual (c.1256A>G p.(Asp419Gly), 0.25 pts, PMID: 30564623, LOVD Individual #00220445, GRASP-LGMD Consortium internal data communication) (PM3). At least one patient homozygous for this variant displayed progressive limb girdle muscle weakness and absent expression of calpain-3 in skeletal muscle, which is highly specific for CAPN3-related LGMD (PMID: 17596655; PP4_Strong). The highest population minor allele frequency in gnomAD v4.1.1 is 0.00001648 (1/60664 alleles) in the Remaining population, which is lower than the ClinGen LGMD VCEP threshold (<0.0001) for PM2_Supporting, meeting this criterion (PM2_Supporting). The computational predictor REVEL gives a score of 0.955, which is above the threshold of 0.70, evidence that correlates with impact to CAPN3 function (PP3). In summary, this variant meets the criteria to be classified as Likely Pathogenic for autosomal recessive limb girdle muscular dystrophy based on the ACMG/AMP criteria applied, as specified by the ClinGen LGMD VCEP (specifications v2.0.0; 04/28/2026): PM3, PP4_Strong, PM2_Supporting, PP3.

Natera, Inc.
Classification: Likely pathogenic for Limb-girdle muscular dystrophy type 2A. Last evaluated: 2025-01-01. Review status: criteria provided, single submitter. Criteria: Natera Variant Classification Schema (03/2026). Collection method: clinical testing. Allele origin: germline. Not counted in ClinVar's aggregate classification.
Comment: The c.1076C>T variant in CAPN3 is a missense variant predicted to cause substitution of proline to leucine at amino acid 359. This variant is rare in the general population with a frequency below the threshold expected for the associated phenotype(s). This variant has been observed in one or more individuals affected with the associated recessive disease, as either homozygous or compound heterozygous with a second variant (PMID: 29797799, 26060040, 22926650). Computational prediction algorithms indicate this variant is likely to affect gene or protein function. Given the available evidence, this variant is classified as Likely Pathogenic.

Women's Health and Genetics/Laboratory Corporation of America, LabCorp
Classification: Pathogenic for Autosomal recessive limb-girdle muscular dystrophy. Last evaluated: 2024-11-18. Review status: criteria provided, single submitter. Criteria: LabCorp Variant Classification Summary - May 2015. Collection method: clinical testing. Allele origin: germline. Not counted in ClinVar's aggregate classification.
Comment: Variant summary: CAPN3 c.1076C>T (p.Pro359Leu) results in a non-conservative amino acid change located in the Calpain-like thiol protease family domain (IPR001300) of the encoded protein sequence. Five of five in-silico tools predict a damaging effect of the variant on protein function. The variant allele was found at a frequency of 1.3e-06 in 1563780 control chromosomes (gnomAD v4.1). c.1076C>T has been reported in the literature in multiple individuals affected with Limb-Girdle Muscular Dystrophy, Autosomal Recessive (e.g. Shin_2007, Luo_2012, Nallamilli_2018, Topf_2020). These data indicate that the variant is very likely to be associated with disease. The following publications have been ascertained in the context of this evaluation (PMID: 17596655, 22926650, 30564623, 32528171). ClinVar contains an entry for this variant (Variation ID: 198690). Based on the evidence outlined above, the variant was classified as pathogenic.

Labcorp Genetics (formerly Invitae), Labcorp
Classification: Pathogenic for Autosomal recessive limb-girdle muscular dystrophy type 2A. Last evaluated: 2024-04-05. Review status: criteria provided, single submitter. Criteria: Invitae Variant Classification Sherloc (09022015). Collection method: clinical testing. Allele origin: germline. Not counted in ClinVar's aggregate classification.
Comment: This sequence change replaces proline, which is neutral and non-polar, with leucine, which is neutral and non-polar, at codon 359 of the CAPN3 protein (p.Pro359Leu). This variant is not present in population databases (gnomAD no frequency). This missense change has been observed in individuals with clinical features of autosomal recessive limb-girdle muscular dystrophy (PMID: 17596655, 22926650, 30564623, 34355366; Invitae). ClinVar contains an entry for this variant (Variation ID: 198690). Advanced modeling of protein sequence and biophysical properties (such as structural, functional, and spatial information, amino acid conservation, physicochemical variation, residue mobility, and thermodynamic stability) performed at Invitae indicates that this missense variant is expected to disrupt CAPN3 protein function with a positive predictive value of 80%. For these reasons, this variant has been classified as Pathogenic.

Revvity Omics, Revvity
Classification: Likely pathogenic. Last evaluated: 2024-01-16. Review status: criteria provided, single submitter. Criteria: ACMG Guidelines, 2015. Collection method: clinical testing. Allele origin: germline. Not counted in ClinVar's aggregate classification.

Baylor Genetics
Classification: Likely pathogenic for Muscular dystrophy, limb-girdle, autosomal dominant 4. Last evaluated: 2023-10-16. Review status: criteria provided, single submitter. Criteria: ACMG Guidelines, 2015. Collection method: clinical testing. Allele origin: unknown. Not counted in ClinVar's aggregate classification.

Baylor Genetics
Classification: Likely pathogenic for Autosomal recessive limb-girdle muscular dystrophy type 2A. Last evaluated: 2019-10-30. Review status: criteria provided, single submitter. Criteria: ACMG Guidelines, 2015. Collection method: clinical testing. Allele origin: unknown. Affected: yes. Not counted in ClinVar's aggregate classification.
Comment: This variant was determined to be likely pathogenic according to ACMG Guidelines, 2015 [PMID:25741868].

Eurofins Ntd Llc (ga)
Classification: Uncertain significance. Last evaluated: 2015-11-04. Review status: criteria provided, single submitter. Criteria: EGL Classification Definitions 2015. Collection method: clinical testing. Allele origin: germline. Observed: 2 variant alleles, 2 heterozygotes. Not counted in ClinVar's aggregate classification.

Literature cited by the submitters: PubMed 29797799 (cited by Natera, Inc.); PubMed 26060040 (cited by Natera, Inc.); PubMed 22926650 (cited by 3 submitters); PubMed 30564623 (cited by Women's Health and Genetics/Laboratory Corporation of America, LabCorp and Labcorp Genetics (formerly Invitae), Labcorp); PubMed 32528171 (cited by Women's Health and Genetics/Laboratory Corporation of America, LabCorp); PubMed 17596655 (cited by Women's Health and Genetics/Laboratory Corporation of America, LabCorp and Labcorp Genetics (formerly Invitae), Labcorp); PubMed 34355366 (cited by Labcorp Genetics (formerly Invitae), Labcorp).